The following is an entry in ClinVar:

NM_001136472.2(LITAF):c.*439G>A

Gene: LITAF (lipopolysaccharide induced TNF factor; minus strand). Cytogenetic location: 16p13.13.
Variant type: single nucleotide variant.
Coding change: c.*439G>A on transcript NM_001136472.2 (MANE Select); 439 bases downstream of the stop codon, G replaced by A.
Molecular consequence: 3 prime UTR variant. On other transcripts: non-coding transcript variant (1).
Genome position (GRCh38, 1-based): chr16:11,549,198, C>T on the plus strand (G>A on the coding strand, the complement: LITAF is on the minus strand). VCF-style: chr16-11549198-C-T. GRCh37 (hg19) VCF-style: chr16-11643054-C-T.
Other names: c.*564G>A (NM_001136473.1); c.*439G>A (NM_004862.4).
Identifiers: ClinVar variation 317772 (VCV000317772.6), dbSNP rs13337025, ClinGen allele CA7903956.
Genomic context (GRCh38, chr16:11,549,198, plus strand): 5'-CTGTAAGGCAAGATCTTTGTCATCAGGGACGGGAAGAGACGGATAAGATAATGGTAGGCA[C>T]TAAAGGCTGGTTCAGCCGAGCTCTGGGCAGAACAGCCTCAAAAATAAGGCAACTGTGGCT-3'

ClinVar aggregate classification (germline): Benign. Review status: criteria provided, multiple submitters, no conflicts (2 of 4 stars). 2 submissions from 2 submitters: Benign (2). Last evaluated 2018-01-13.

Conditions:
Charcot-Marie-Tooth disease type 1C. Also called: CHARCOT-MARIE-TOOTH DISEASE, DEMYELINATING, TYPE 1C; CMT, SLOW NERVE CONDUCTION TYPE C; HMSN IC; Charcot-Marie-Tooth disease, type IC; CHARCOT-MARIE-TOOTH NEUROPATHY, TYPE 1C; NEUROPATHY, HEREDITARY MOTOR AND SENSORY, TYPE IC. Identifiers: Orphanet 101083, MedGen C0270913, MONDO:0010995, OMIM 601098.

Allele frequency attached by ClinVar (database versions not stated): gnomAD exomes 0.00426 and 0.00690; gnomAD 0.02310; 1000 Genomes Project 0.03015; 1000 Genomes Project 30x 0.03326; ExAC 0.00612.
gnomAD v4.1: 5,098 of 452,982 alleles (1.1%); highest among the groups gnomAD compares: African/African-American, 8.1%; 178 homozygotes.

Submissions (2):

Illumina Laboratory Services, Illumina
Classification: Benign for Charcot-Marie-Tooth disease type 1C. Last evaluated: 2018-01-13. Review status: criteria provided, single submitter. Criteria: ICSL Variant Classification Criteria 13 December 2019. Collection method: clinical testing. Allele origin: germline.
Comment: This variant was observed in the ICSL laboratory as part of a predisposition screen in an ostensibly healthy population. It had not been previously curated by ICSL or reported in the Human Gene Mutation Database (HGMD: prior to June 1st, 2018), and was therefore a candidate for classification through an automated scoring system. Utilizing variant allele frequency, disease prevalence and penetrance estimates, and inheritance mode, an automated score was calculated to assess if this variant is too frequent to cause the disease. Based on the score and internal cut-off values, a variant classified as benign is not then subjected to further curation. The score for this variant resulted in a classification of benign for this disease.

Breakthrough Genomics
Classification: Benign. Review status: criteria provided, single submitter. Criteria: ACMG Guidelines, 2015. Collection method: not provided. Allele origin: germline. Inheritance: Autosomal dominant inheritance. Affected: yes.